The following is an entry in ClinVar:

ClinVar aggregate classification (germline): Conflicting classifications of pathogenicity. Review status: criteria provided, conflicting classifications (1 of 4 stars). 2 submissions from 2 submitters: Uncertain significance (1); Likely benign (1). Last evaluated 2024-05-17.

Conditions:
Hereditary cancer-predisposing syndrome. Also called: Neoplastic Syndromes, Hereditary; Hereditary Cancer Syndrome; Hereditary neoplastic syndrome; Tumor predisposition. Identifiers: Orphanet 140162, MedGen C0027672, MeSH D009386, MONDO:0015356.
Hereditary breast ovarian cancer syndrome. Also called: Hereditary breast and ovarian cancer syndrome (HBOC); Hereditary breast and ovarian cancer syndrome; Breast and ovarian cancer; Hereditary breast and/or ovarian cancer syndrome; Hereditary breast and ovarian cancer; BRCA1- and BRCA2-Associated Hereditary Breast and Ovarian Cancer. Identifiers: Orphanet 145, MedGen C0677776, MeSH D061325, MONDO:0003582. Disease mechanism: loss of function.

Submissions (2):

Ambry Genetics
Classification: Likely benign for Hereditary cancer-predisposing syndrome. Last evaluated: 2024-05-17. Review status: criteria provided, single submitter. Criteria: Ambry Variant Classification Scheme 2023. Collection method: clinical testing. Allele origin: germline.

Labcorp Genetics (formerly Invitae), Labcorp
Classification: Uncertain significance for Hereditary breast ovarian cancer syndrome. Last evaluated: 2017-05-11. Review status: criteria provided, single submitter. Criteria: Invitae Variant Classification Sherloc (09022015). Collection method: clinical testing. Allele origin: germline.
Comment: This sequence change replaces glutamic acid with valine at codon 3309 of the BRCA2 protein (p.Glu3309Val). The glutamic acid residue is moderately conserved and there is a moderate physicochemical difference between glutamic acid and valine. This variant is not present in population databases (ExAC no frequency) and has not been reported in the literature in individuals with a BRCA2-related disease. Algorithms developed to predict the effect of missense changes on protein structure and function do not agree on the potential impact of this missense change (SIFT: "Tolerated"; PolyPhen-2: "Probably Damaging"; Align-GVGD: "Class C0"). Algorithms developed to predict the effect of sequence changes on RNA splicing suggest that this variant may alter RNA splicing, but this prediction has not been confirmed by published transcriptional studies. In summary, this variant is a novel missense change with uncertain impact on protein function. It has been classified as a Variant of Uncertain Significance.

NM_000059.4(BRCA2):c.9926A>T (p.Glu3309Val)

Gene: BRCA2 (BRCA2 DNA repair associated; plus strand). Cytogenetic location: 13q13.1.
Variant type: single nucleotide variant.
Coding change: c.9926A>T on transcript NM_000059.4 (MANE Select); coding-DNA position 9926, A replaced by T.
Protein change: p.Glu3309Val; replaces glutamic acid 3309 with valine.
Molecular consequence: missense variant.
Genome position (GRCh38, 1-based): chr13:32,398,439, A>T. VCF-style: chr13-32398439-A-T. GRCh37 (hg19) VCF-style: chr13-32972576-A-T.
Other names: short protein forms E3309V.
Identifiers: ClinVar variation 462541 (VCV000462541.10), dbSNP rs1064795880, ClinGen allele CA387767103.
Genomic context (GRCh38, chr13:32,398,439, plus strand): 5'-TTGTTTCTCCGGCTGCACAGAAGGCATTTCAGCCACCAAGGAGTTGTGGCACCAAATACG[A>T]AACACCCATAAAGAAAAAAGAACTGAATTCTCCTCAGATGACTCCATTTAAAAAATTCAA-3'
Protein context (NP_000050.3, residues 3299-3319): QPPRSCGTKY[Glu3309Val]TPIKKKELNS